The following is an entry in ClinVar:

NC_000001.10:g.(?_12008013)_(12010597_?)del

Gene: PLOD1 (procollagen-lysine,2-oxoglutarate 5-dioxygenase 1; plus strand). Cytogenetic location: 1p36.22.
Variant type: Deletion.
Identifiers: ClinVar variation 1409473 (VCV001409473.5).

ClinVar aggregate classification (germline): Uncertain significance (1 of 4 stars; one submission).

Conditions:
Ehlers-Danlos syndrome, kyphoscoliotic type 1 (EDSKSCL1). Also called: EHLERS-DANLOS SYNDROME, OCULAR-SCOLIOTIC TYPE; Ehlers-Danlos syndrome, hydroxylysine-deficient; EHLERS-DANLOS SYNDROME, TYPE VIA; PLOD1-Related Kyphoscoliotic Ehlers-Danlos Syndrome. Identifiers: Orphanet 1900, MedGen C0268342, MONDO:0016002, OMIM 225400. Disease mechanism: loss of function.

Submission:

Labcorp Genetics (formerly Invitae), Labcorp
Classification: Uncertain significance for Ehlers-Danlos syndrome, kyphoscoliotic type 1. Last evaluated: 2021-08-03. Review status: criteria provided, single submitter. Criteria: Invitae Variant Classification Sherloc (09022015). Collection method: clinical testing. Allele origin: germline.
Comment: This variant is a gross deletion of the genomic region encompassing exon(s) 2-4 of the PLOD1 gene. This variant would be expected to be in-frame, preserving the integrity of the reading frame. This variant has not been reported in the literature in individuals affected with PLOD1-related conditions. Experimental studies and prediction algorithms are not available or were not evaluated, and the functional significance of this variant is currently unknown. In summary, the available evidence is currently insufficient to determine the role of this variant in disease. Therefore, it has been classified as a Variant of Uncertain Significance.